The following is an entry in ClinVar:

NM_007126.5(VCP):c.1073G>A (p.Arg358Gln)

Gene: VCP (valosin containing protein; minus strand). Cytogenetic location: 9p13.3.
Variant type: single nucleotide variant.
Coding change: c.1073G>A on transcript NM_007126.5 (MANE Select); coding-DNA position 1073, G replaced by A.
Protein change: p.Arg358Gln; replaces arginine 358 with glutamine.
Molecular consequence: missense variant.
Genome position (GRCh38, 1-based): chr9:35,062,011, C>T on the plus strand (G>A on the coding strand, the complement: VCP is on the minus strand). VCF-style: chr9-35062011-C-T. GRCh37 (hg19) VCF-style: chr9-35062008-C-T.
Other names: c.938G>A, p.Arg313Gln (NM_001354927.2, NM_001354928.2); short protein forms R313Q, R358Q.
Identifiers: ClinVar variation 3979549 (VCV003979549.1).

ClinVar aggregate classification (germline): Likely pathogenic (1 of 4 stars; one submission).

Conditions:
Inborn genetic diseases. Identifiers: MedGen C0950123, MeSH D030342.

Submission:

Ambry Genetics
Classification: Likely pathogenic for Inborn genetic diseases. Last evaluated: 2025-04-15. Review status: criteria provided, single submitter. Criteria: Ambry Variant Classification Scheme 2023. Collection method: clinical testing. Allele origin: germline.
Comment: The c.1073G>A (p.R358Q) alteration is located in exon 9 (coding exon 9) of the VCP gene. This alteration results from a G to A substitution at nucleotide position 1073, causing the arginine (R) at amino acid position 358 to be replaced by a glutamine (Q). for VCP-related neurodevelopmental disorder; however, its clinical significance for VCP-related multisystem proteinopathy is uncertain. This variant was not reported in population-based cohorts in the Genome Aggregation Database (gnomAD). This amino acid position is highly conserved in available vertebrate species. This missense alteration is located in a region that has a low rate of benign missense variation (Lek, 2016; Firth, 2009). This alteration is predicted to be deleterious by in silico analysis. Based on the available evidence, this alteration is classified as likely pathogenic.